The following is an entry in ClinVar:

NM_001375567.1(FOCAD):c.5046T>C (p.Val1682=)

Gene: FOCAD (focadhesin; plus strand). Cytogenetic location: 9p21.3.
Variant type: single nucleotide variant.
Coding change: c.5046T>C on transcript NM_001375567.1 (MANE Select); coding-DNA position 5046, T replaced by C.
Protein change: p.Val1682=; no amino-acid change (valine 1682 retained).
Molecular consequence: synonymous variant.
Genome position (GRCh38, 1-based): chr9:20,990,164, T>C. VCF-style: chr9-20990164-T-C. GRCh37 (hg19) VCF-style: chr9-20990163-T-C.
Other names: c.4941T>C, p.Val1647= (NM_001375568.1, NM_001375570.1); c.5046T>C, p.Val1682= (NM_017794.5); c.5046T>C (NM_017794.4).
Identifiers: ClinVar variation 2749477 (VCV002749477.5), dbSNP rs146654517, ClinGen allele CA5008180.

ClinVar aggregate classification (germline): Likely benign. Review status: criteria provided, single submitter (1 of 4 stars). 2 submissions from 2 submitters: Likely benign (1). 1 of the submissions does not count toward it. Last evaluated 2025-07-16.

Conditions:
FOCAD-related disorder. Also called: FOCAD-related condition.

Allele frequency attached by ClinVar (database versions not stated): TOPMed 0.00026; gnomAD exomes 0.00036; ESP Exome Variant Server 0.00062; gnomAD 0.00028; ExAC 0.00026.
gnomAD v4.1: 578 of 1,614,106 alleles (0.036%); highest among the groups gnomAD compares: Admixed American, 0.057%; 1 homozygote.

Submissions (2):

Labcorp Genetics (formerly Invitae), Labcorp
Classification: Likely benign. Last evaluated: 2025-07-16. Review status: criteria provided, single submitter. Criteria: Invitae Variant Classification Sherloc (09022015). Collection method: clinical testing. Allele origin: germline.

PreventionGenetics, part of Exact Sciences
Classification: Likely benign for FOCAD-related condition. Last evaluated: 2022-08-17. Review status: no assertion criteria provided. Collection method: clinical testing. Allele origin: germline. Not counted in ClinVar's aggregate classification.
Comment: This variant is classified as likely benign based on ACMG/AMP sequence variant interpretation guidelines (Richards et al. 2015 PMID: 25741868, with internal and published modifications).